The following is an entry in ClinVar:

NM_001127453.2(GSDME):c.547A>G (p.Ile183Val)

Gene: GSDME (gasdermin E; minus strand). Cytogenetic location: 7p15.3.
Variant type: single nucleotide variant.
Coding change: c.547A>G on transcript NM_001127453.2 (MANE Select); coding-DNA position 547, A replaced by G.
Protein change: p.Ile183Val; replaces isoleucine 183 with valine.
Molecular consequence: missense variant.
Genome position (GRCh38, 1-based): chr7:24,719,076, T>C on the plus strand (A>G on the coding strand, the complement: GSDME is on the minus strand). VCF-style: chr7-24719076-T-C. GRCh37 (hg19) VCF-style: chr7-24758695-T-C.
Other names: c.55A>G, p.Ile19Val (NM_001127454.2, NM_001438059.1); c.547A>G, p.Ile183Val (NM_004403.3); short protein forms I183V, I19V.
Identifiers: ClinVar variation 4686271 (VCV004686271.1).

ClinVar aggregate classification (germline): Uncertain significance (1 of 4 stars; one submission).

Submission:

GeneDx
Classification: Uncertain significance. Last evaluated: 2025-07-15. Review status: criteria provided, single submitter. Criteria: GeneDx Variant Classification Process June 2021. Collection method: clinical testing. Allele origin: germline. Affected: yes.
Comment: Not observed at significant frequency in large population cohorts (gnomAD); In silico analysis suggests that this missense variant does not alter protein structure/function; Has not been previously published as pathogenic or benign to our knowledge